The following is an entry in ClinVar:

NM_006493.4(CLN5):c.338T>A (p.Leu113Ter)

Gene: CLN5 (CLN5 lysosomal BMP synthase; plus strand). Cytogenetic location: 13q22.3.
Variant type: single nucleotide variant.
Coding change: c.338T>A on transcript NM_006493.4 (MANE Select); coding-DNA position 338, T replaced by A.
Protein change: p.Leu113Ter; replaces leucine 113 with a stop codon.
Molecular consequence: nonsense.
Genome position (GRCh38, 1-based): chr13:76,995,227, T>A. VCF-style: chr13-76995227-T-A. GRCh37 (hg19) VCF-style: chr13-77569362-T-A.
Other names: c.338T>A, p.Leu113Ter (NM_001366624.2); short protein forms L113*, L162*.
Identifiers: ClinVar variation 1724110 (VCV001724110.2), dbSNP rs2501136073, ClinGen allele CA388308436.
Genomic context (GRCh38, chr13:76,995,227, plus strand): 5'-AAGTTTTTCGATTACAAGCCCCAGTATGGGAATTTAAATATGGAGACCTCCTGGGACACT[T>A]GGTAAGGATGCATCTTGGTCTTATAACTTTGGTTAATTCAATGATTTGGTTATTAAGTTG-3'

ClinVar aggregate classification (germline): Likely pathogenic (1 of 4 stars; one submission).

Conditions:
Neuronal ceroid lipofuscinosis 5 (CLN5). Also called: Neuronal ceroid lipofuscinosis Finnish variant; NEURONAL CEROID LIPOFUSCINOSIS, LATE INFANTILE, FINNISH VARIANT; CEROID LIPOFUSCINOSIS, NEURONAL, 5, VARIABLE AGE AT ONSET; CLN5-Related Neuronal Ceroid-Lipofuscinosis. Identifiers: Orphanet 168491, Orphanet 228360, MedGen C1850442, MONDO:0009745, OMIM 256731.

Submission:

Myriad Genetics, Inc.
Classification: Likely pathogenic for Neuronal ceroid lipofuscinosis 5. Last evaluated: 2022-01-25. Review status: criteria provided, single submitter. Criteria: Myriad Women's Health Autosomal Recessive and X-Linked Classification Criteria (2021). Collection method: clinical testing. Allele origin: unknown.
Comment: NM_006493.2(CLN5):c.485T>A(L162*) is expected to be pathogenic in the context of CLN5-related neuronal ceroid lipofuscinosis. This variant is predicted to lead to an abnormal or absent protein product due to the creation of a premature termination codon in CLN5, a gene where loss-of-function variants are known to be pathogenic. Please note: this variant was assessed in the context of healthy population screening.